The following is an entry in ClinVar:

NM_001267550.2(TTN):c.71147G>A (p.Gly23716Asp)

Genes: TTN-AS1 (TTN antisense RNA 1; plus strand), TTN (titin; minus strand). Cytogenetic location: 2q31.2.
Variant type: single nucleotide variant.
Coding change: c.71147G>A on transcript NM_001267550.2 (MANE Select); coding-DNA position 71147, G replaced by A.
Protein change: p.Gly23716Asp; replaces glycine 23716 with aspartic acid.
Molecular consequence: missense variant.
Genome position (GRCh38, 1-based): chr2:178,574,985, C>T on the plus strand (G>A on the coding strand, the complement: TTN is on the minus strand). VCF-style: chr2-178574985-C-T. GRCh37 (hg19) VCF-style: chr2-179439712-C-T.
Other names: c.66224G>A, p.Gly22075Asp (NM_001256850.1); c.43952G>A, p.Gly14651Asp (NM_003319.4); c.63443G>A, p.Gly21148Asp (NM_133378.4); c.44327G>A, p.Gly14776Asp (NM_133432.3); c.44528G>A, p.Gly14843Asp (NM_133437.4); short protein forms G23716D, G21148D, G14843D, G22075D, G14651D, G14776D.
Identifiers: ClinVar variation 238833 (VCV000238833.5), dbSNP rs774327480, ClinGen allele CA1990673.

ClinVar aggregate classification (germline): Uncertain significance. Review status: criteria provided, multiple submitters, no conflicts (2 of 4 stars). 2 submissions from 2 submitters: Uncertain significance (2). Last evaluated 2019-09-03.

Conditions:
Cardiovascular phenotype. Identifiers: MedGen CN230736.
Autosomal recessive limb-girdle muscular dystrophy type 2J (LGMDR10). Also called: Limb-girdle muscular dystrophy, type 2J; MUSCULAR DYSTROPHY, LIMB-GIRDLE, AUTOSOMAL RECESSIVE 10. Identifiers: Orphanet 140922, MedGen C1837342, MONDO:0012127, OMIM 608807.
Dilated cardiomyopathy 1G (CMD1G). Identifiers: Orphanet 154, MedGen C1858763, MONDO:0011400, OMIM 604145.

Allele frequency attached by ClinVar (database versions not stated): gnomAD below 0.00001 and 0.00001; gnomAD exomes below 0.00001 and 0.00001; ExAC 0.00001.
gnomAD v4.1: 9 of 1,613,184 alleles (0.00056%); highest among the groups gnomAD compares: Middle Eastern, 0.016%; no homozygotes.

Submissions (2):

Ambry Genetics
Classification: Uncertain significance for Cardiovascular phenotype. Last evaluated: 2019-09-03. Review status: criteria provided, single submitter. Criteria: Ambry Variant Classification Scheme 2023. Collection method: clinical testing. Allele origin: germline.
Comment: The p.G14651D variant (also known as c.43952G>A), located in coding exon 153 of the TTN gene, results from a G to A substitution at nucleotide position 43952. The glycine at codon 14651 is replaced by aspartic acid, an amino acid with similar properties. This amino acid position is not well conserved in available vertebrate species. In addition, this alteration is predicted to be tolerated by in silico analysis. Since supporting evidence is limited at this time, the clinical significance of this alteration remains unclear.

Labcorp Genetics (formerly Invitae), Labcorp
Classification: Uncertain significance for Dilated cardiomyopathy 1G; Autosomal recessive limb-girdle muscular dystrophy type 2J. Last evaluated: 2015-11-10. Review status: criteria provided, single submitter. Criteria: Invitae Variant Classification Sherloc (09022015). Collection method: clinical testing. Allele origin: germline.